The following is an entry in ClinVar:

ClinVar aggregate classification (germline): Uncertain significance (1 of 4 stars; one submission).

Conditions:
Long QT syndrome (LQTS). Identifiers: MedGen C0023976, MeSH D008133, MONDO:0002442. Disease mechanism: loss of function. Inheritance: Various modes of inheritance.

Submission:

Labcorp Genetics (formerly Invitae), Labcorp
Classification: Uncertain significance for Long QT syndrome. Last evaluated: 2025-05-05. Review status: criteria provided, single submitter. Criteria: Invitae Variant Classification Sherloc (09022015). Collection method: clinical testing. Allele origin: germline.
Comment: This sequence change replaces arginine, which is basic and polar, with histidine, which is basic and polar, at codon 504 of the CACNA1C protein (p.Arg504His). The frequency data for this variant in the population databases is considered unreliable, as metrics indicate poor data quality at this position in the gnomAD database. This variant has not been reported in the literature in individuals affected with CACNA1C-related conditions. ClinVar contains an entry for this variant (Variation ID: 3705864). An algorithm developed to predict the effect of missense changes on protein structure and function (PolyPhen-2) suggests that this variant is likely to be disruptive. In summary, the available evidence is currently insufficient to determine the role of this variant in disease. Therefore, it has been classified as a Variant of Uncertain Significance.

NM_000719.7(CACNA1C):c.1511G>A (p.Arg504His)

Gene: CACNA1C (calcium voltage-gated channel subunit alpha1 C; plus strand). Cytogenetic location: 12p13.33.
Variant type: single nucleotide variant.
Coding change: c.1511G>A on transcript NM_000719.7 (MANE Select); coding-DNA position 1511, G replaced by A.
Protein change: p.Arg504His; replaces arginine 504 with histidine.
Molecular consequence: missense variant.
Genome position (GRCh38, 1-based): chr12:2,566,424, G>A. VCF-style: chr12-2566424-G-A. GRCh37 (hg19) VCF-style: chr12-2675590-G-A.
Other names: c.1511G>A, p.Arg504His (NM_001129827.2, NM_001129838.2, NM_001129839.2 and 18 more transcripts); c.1502G>A, p.Arg501His (NM_001129844.2); short protein forms R501H, R504H.
Identifiers: ClinVar variation 3705864 (VCV003705864.2).